The following is an entry in ClinVar:

ClinVar aggregate classification (germline): Uncertain significance (1 of 4 stars; one submission).

Allele frequency attached by ClinVar (database versions not stated): gnomAD exomes 0.00010 and 0.00015; ExAC 0.00019; 1000 Genomes Project 0.00020; 1000 Genomes Project 30x 0.00031; gnomAD 0.00060 and 0.00063; ESP Exome Variant Server 0.00062; TOPMed 0.00076.
gnomAD v4.1: 240 of 1,591,626 alleles (0.015%); highest among the groups gnomAD compares: African/African-American, 0.22%; 1 homozygote.

Submission:

GeneDx
Classification: Uncertain significance. Last evaluated: 2021-02-26. Review status: criteria provided, single submitter. Criteria: GeneDx Variant Classification Process June 2021. Collection method: clinical testing. Allele origin: germline. Affected: yes.
Comment: In silico analysis supports that this missense variant does not alter protein structure/function; Has not been previously published as pathogenic or benign to our knowledge; In-silico analysis, which includes splice predictors and evolutionary conservation, is inconclusive as to whether the variant alters gene splicing. In the absence of RNA/functional studies, the actual effect of this sequence change is unknown; This variant is associated with the following publications: (PMID: 22974711)

NM_001813.3(CENPE):c.5519A>G (p.Asn1840Ser)

Gene: CENPE (centromere protein E; minus strand). Cytogenetic location: 4q24.
Variant type: single nucleotide variant.
Coding change: c.5519A>G on transcript NM_001813.3 (MANE Select); coding-DNA position 5519, A replaced by G.
Protein change: p.Asn1840Ser; replaces asparagine 1840 with serine.
Molecular consequence: missense variant.
Genome position (GRCh38, 1-based): chr4:103,141,049, T>C on the plus strand (A>G on the coding strand, the complement: CENPE is on the minus strand). VCF-style: chr4-103141049-T-C. GRCh37 (hg19) VCF-style: chr4-104062206-T-C.
Other names: c.5444A>G, p.Asn1815Ser (NM_001286734.2); short protein forms N1815S, N1840S.
Identifiers: ClinVar variation 1303458 (VCV001303458.2), dbSNP rs115069704, ClinGen allele CA3029585.